The following is an entry in ClinVar:

ClinVar aggregate classification (germline): Likely benign (0 of 4 stars; one submission).

Conditions:
HIRA-related disorder.

Allele frequency attached by ClinVar (database versions not stated): gnomAD exomes 0.00008; ExAC 0.00023; TOPMed 0.00048; gnomAD 0.00050; ESP Exome Variant Server 0.00062; 1000 Genomes Project 30x 0.00109; 1000 Genomes Project 0.00140.

Submission:

PreventionGenetics, part of Exact Sciences
Classification: Likely benign for HIRA-related condition. Last evaluated: 2023-04-08. Review status: no assertion criteria provided. Collection method: clinical testing. Allele origin: germline.
Comment: This variant is classified as likely benign based on ACMG/AMP sequence variant interpretation guidelines (Richards et al. 2015 PMID: 25741868, with internal and published modifications).

NM_003325.4(HIRA):c.587G>A (p.Arg196His)

Gene: HIRA (histone cell cycle regulator; minus strand). Cytogenetic location: 22q11.21.
Variant type: single nucleotide variant.
Coding change: c.587G>A on transcript NM_003325.4 (MANE Select); coding-DNA position 587, G replaced by A.
Protein change: p.Arg196His; replaces arginine 196 with histidine.
Molecular consequence: missense variant.
Genome position (GRCh38, 1-based): chr22:19,396,854, C>T on the plus strand (G>A on the coding strand, the complement: HIRA is on the minus strand). VCF-style: chr22-19396854-C-T. GRCh37 (hg19) VCF-style: chr22-19384377-C-T.
Other names: short protein forms R196H.
Identifiers: ClinVar variation 3047953 (VCV003047953.2), dbSNP rs147406287, ClinGen allele CA10099900.